The following is an entry in ClinVar:

NM_001114753.3(ENG):c.707T>A (p.Val236Glu)

Gene: ENG (endoglin; minus strand). Cytogenetic location: 9q34.11.
Variant type: single nucleotide variant.
Coding change: c.707T>A on transcript NM_001114753.3 (MANE Select); coding-DNA position 707, T replaced by A.
Protein change: p.Val236Glu; replaces valine 236 with glutamic acid.
Molecular consequence: missense variant.
Genome position (GRCh38, 1-based): chr9:127,825,340, A>T on the plus strand (T>A on the coding strand, the complement: ENG is on the minus strand). VCF-style: chr9-127825340-A-T. GRCh37 (hg19) VCF-style: chr9-130587619-A-T.
Other names: c.707T>A, p.Val236Glu (NM_000118.4, NM_001406715.1); c.161T>A, p.Val54Glu (NM_001278138.2); short protein forms V236E, V54E.
Identifiers: ClinVar variation 1001157 (VCV001001157.15), dbSNP rs1588582073, ClinGen allele CA374983441.
Genomic context (GRCh38, chr9:127,825,340, plus strand): 5'-GGACCCTGCAGGATGAGGACGGCATCGAGATCCCCGGGTGCGCAGCTCAGTTCCACCTTC[A>T]CCGTCACCGTCCGGGGCCTGCGGGGAGACAGACGCGGATGGAACACTGAAGCGGACAGGC-3'
Protein context (NP_001108225.1, residues 226-246): GHSAGPRTVT[Val236Glu]KVELSCAPGD

ClinVar aggregate classification (germline): Conflicting classifications of pathogenicity. Review status: criteria provided, conflicting classifications (1 of 4 stars). 2 submissions from 2 submitters: Pathogenic (1); Uncertain significance (1). Last evaluated 2023-07-25.

Conditions:
Cardiovascular phenotype. Identifiers: MedGen CN230736.
Hereditary hemorrhagic telangiectasia (HHT). Also called: Osler hemorrhagic telangiectasia syndrome; ORW DISEASE; Osler Weber Rendu syndrome; OSLER-RENDU-WEBER DISEASE. Identifiers: Orphanet 774, MedGen C0039445, MONDO:0019180. Disease mechanism: loss of function.

Submissions (2):

Labcorp Genetics (formerly Invitae), Labcorp
Classification: Pathogenic for Hereditary hemorrhagic telangiectasia. Last evaluated: 2023-07-25. Review status: criteria provided, single submitter. Criteria: Invitae Variant Classification Sherloc (09022015). Collection method: clinical testing. Allele origin: germline.
Comment: This sequence change replaces valine, which is neutral and non-polar, with glutamic acid, which is acidic and polar, at codon 236 of the ENG protein (p.Val236Glu). This variant is not present in population databases (gnomAD no frequency). This missense change has been observed in individual(s) with hereditary hemorrhagic telangiectasia (Invitae). ClinVar contains an entry for this variant (Variation ID: 1001157). Advanced modeling of protein sequence and biophysical properties (such as structural, functional, and spatial information, amino acid conservation, physicochemical variation, residue mobility, and thermodynamic stability) performed at Invitae indicates that this missense variant is expected to disrupt ENG protein function. For these reasons, this variant has been classified as Pathogenic.

Ambry Genetics
Classification: Uncertain significance for Cardiovascular phenotype. Last evaluated: 2018-06-07. Review status: criteria provided, single submitter. Criteria: Ambry Variant Classification Scheme 2023. Collection method: clinical testing. Allele origin: germline.
Comment: The p.V236E variant (also known as c.707T>A), located in coding exon 6 of the ENG gene, results from a T to A substitution at nucleotide position 707. The valine at codon 236 is replaced by glutamic acid, an amino acid with dissimilar properties. This amino acid position is highly conserved in available vertebrate species. In addition, this alteration is predicted to be deleterious by in silico analysis. Since supporting evidence is limited at this time, the clinical significance of this alteration remains unclear.